The following is an entry in ClinVar:

ClinVar aggregate classification (germline): Conflicting classifications of pathogenicity. Review status: criteria provided, conflicting classifications (1 of 4 stars). 2 submissions from 2 submitters: Uncertain significance (1); Likely benign (1). Last evaluated 2025-05-18.

Conditions:
Immunodeficiency, common variable, 10. Also called: IMMUNODEFICIENCY, COMMON VARIABLE, WITH CENTRAL ADRENAL INSUFFICIENCY; DEFICIT IN ANTERIOR PITUITARY FUNCTION AND VARIABLE IMMUNODEFICIENCY. Identifiers: MedGen C3809991, MONDO:0014260, OMIM 615577.

Allele frequency attached by ClinVar (database versions not stated): gnomAD exomes 0.00001; gnomAD 0.00005.
gnomAD v4.1: 67 of 1,611,818 alleles (0.0042%); highest among the groups gnomAD compares: Non-Finnish European, 0.0051%; no homozygotes.

Submissions (2):

Labcorp Genetics (formerly Invitae), Labcorp
Classification: Uncertain significance for Immunodeficiency, common variable, 10. Last evaluated: 2025-05-18. Review status: criteria provided, single submitter. Criteria: Invitae Variant Classification Sherloc (09022015). Collection method: clinical testing. Allele origin: germline.
Comment: This sequence change replaces serine, which is neutral and polar, with leucine, which is neutral and non-polar, at codon 715 of the NFKB2 protein (p.Ser715Leu). This variant is present in population databases (rs527505889, gnomAD 0.003%). This variant has not been reported in the literature in individuals affected with NFKB2-related conditions. ClinVar contains an entry for this variant (Variation ID: 1062294). An algorithm developed to predict the effect of missense changes on protein structure and function (PolyPhen-2) suggests that this variant is likely to be tolerated. In summary, the available evidence is currently insufficient to determine the role of this variant in disease. Therefore, it has been classified as a Variant of Uncertain Significance.

Blueprint Genetics
Classification: Likely benign. Last evaluated: 2020-08-21. Review status: criteria provided, single submitter. Criteria: ACMG Guidelines, 2015. Collection method: clinical testing. Allele origin: germline.

NM_001322934.2(NFKB2):c.2144C>T (p.Ser715Leu)

Gene: NFKB2 (nuclear factor kappa B subunit 2; plus strand). Cytogenetic location: 10q24.32.
Variant type: single nucleotide variant.
Coding change: c.2144C>T on transcript NM_001322934.2 (MANE Select); coding-DNA position 2144, C replaced by T.
Protein change: p.Ser715Leu; replaces serine 715 with leucine.
Molecular consequence: missense variant.
Genome position (GRCh38, 1-based): chr10:102,401,252, C>T. VCF-style: chr10-102401252-C-T. GRCh37 (hg19) VCF-style: chr10-104161009-C-T.
Other names: c.2144C>T, p.Ser715Leu (NM_001077494.3, NM_001261403.3, NM_001288724.1 and 1 more transcripts); c.2018C>T, p.Ser673Leu (NM_001322935.1); short protein forms S673L, S715L.
Identifiers: ClinVar variation 1062294 (VCV001062294.8), dbSNP rs527505889, ClinGen allele CA212218310.
Genomic context (GRCh38, chr10:102,401,252, plus strand): 5'-ATGCTGAAAACGAGGAGCCCCTGTGCCCACTGCCTTCACCCCCTACCTCTGATAGCGACT[C>T]GGACTCTGAAGGGCCTGAGAAGGACACCCGAAGCAGCTTCCGGGGCCACACGCCTCTTGA-3'
Protein context (NP_001309863.1, residues 705-725): LPSPPTSDSD[Ser715Leu]DSEGPEKDTR